The following is an entry in ClinVar:

ClinVar aggregate classification (germline): Pathogenic (1 of 4 stars; one submission).

Conditions:
Neurofibromatosis, type 1 (NF1). Also called: NEUROFIBROMATOSIS, TYPE I, SOMATIC; Neurofibromatosis, type I; Peripheral type neurofibromatosis; VON RECKLINGHAUSEN DISEASE. Identifiers: Orphanet 636, MedGen C0027831, MONDO:0018975, OMIM 162200. Disease mechanism: loss of function.

Submission:

Labcorp Genetics (formerly Invitae), Labcorp
Classification: Pathogenic for Neurofibromatosis, type 1. Last evaluated: 2022-08-30. Review status: criteria provided, single submitter. Criteria: Invitae Variant Classification Sherloc (09022015). Collection method: clinical testing. Allele origin: germline.
Comment: For these reasons, this variant has been classified as Pathogenic. This variant has not been reported in the literature in individuals affected with NF1-related conditions. This variant is not present in population databases (gnomAD no frequency). This sequence change creates a premature translational stop signal (p.Ile1824Argfs*13) in the NF1 gene. It is expected to result in an absent or disrupted protein product. Loss-of-function variants in NF1 are known to be pathogenic (PMID: 10712197, 23913538).

Literature cited by the submitters: PubMed 10712197; PubMed 23913538.

NM_001042492.3(NF1):c.5532_5542del (p.Ile1845fs)

Gene: NF1 (neurofibromin 1; plus strand). Cytogenetic location: 17q11.2.
Variant type: Deletion.
Coding change: c.5532_5542del on transcript NM_001042492.3 (MANE Select); coding-DNA positions 5532 to 5542, 11 bases deleted (GATTCGGCCAA).
Protein change: p.Ile1845fs; shifts the reading frame from isoleucine 1845.
Molecular consequence: frameshift variant.
Genome position (GRCh38, 1-based): chr17:31,327,762-31,327,772, GATTCGGCCAA deleted; deleting any 11 consecutive bases within chr17:31,327,758-31,327,772 gives the same sequence; the c. name uses the placement nearest the transcript's 3' end. VCF-style (leftmost placement, unchanged base first): chr17-31327757-ACCAAGATTCGG-A. GRCh37 (hg19) VCF-style: chr17-29654775-ACCAAGATTCGG-A.
Other names: c.5469_5479delGATTCGGCCAA, p.Ile1824Argfs (NM_000267.4); short protein forms I1824fs, I1845fs.
Identifiers: ClinVar variation 2027913 (VCV002027913.4), dbSNP rs2508707724, ClinGen allele CA2580093325.